The following is an entry in ClinVar:

ClinVar aggregate classification (germline): Pathogenic (1 of 4 stars; one submission).

Conditions:
Myopathy, proximal, and ophthalmoplegia (CMYO6). Also called: MYOPATHY WITH CONGENITAL JOINT CONTRACTURES, OPHTHALMOPLEGIA, AND RIMMED VACUOLES; CONGENITAL MYOPATHY 6 WITH OPHTHALMOPLEGIA; INCLUSION BODY MYOPATHY 3, AUTOSOMAL DOMINANT. Identifiers: Orphanet 363677, Orphanet 79091, MedGen C1854106, MONDO:0011577, OMIM 605637.

Submission:

Labcorp Genetics (formerly Invitae), Labcorp
Classification: Pathogenic for Myopathy, proximal, and ophthalmoplegia. Last evaluated: 2025-04-15. Review status: criteria provided, single submitter. Criteria: Invitae Variant Classification Sherloc (09022015). Collection method: clinical testing. Allele origin: germline.
Comment: This sequence change creates a premature translational stop signal (p.Arg30Serfs*31) in the MYH2 gene. It is expected to result in an absent or disrupted protein product. Loss-of-function variants in MYH2 are known to be pathogenic (PMID: 20418530, 23388406, 24193343). This variant is present in population databases (no rsID available, gnomAD 0.0009%). This variant has not been reported in the literature in individuals affected with MYH2-related conditions. For these reasons, this variant has been classified as Pathogenic.

Literature cited by the submitters: PubMed 20418530; PubMed 23388406; PubMed 24193343.

NM_017534.6(MYH2):c.90del (p.Arg30fs)

Genes: MYHAS (myosin heavy chain gene cluster antisense RNA; plus strand), MYH2 (myosin heavy chain 2; minus strand). Cytogenetic location: 17p13.1.
Variant type: Deletion.
Coding change: c.90del on transcript NM_017534.6 (MANE Select); coding-DNA position 90, one base deleted (G; older notation c.90delG).
Protein change: p.Arg30fs; shifts the reading frame from arginine 30.
Molecular consequence: frameshift variant.
Genome position (GRCh38, 1-based): chr17:10,547,831, C deleted on the plus strand (G on the coding strand, the reverse complement: MYH2 is on the minus strand); the first of 2 consecutive C bases (chr17:10,547,831-10,547,832); deleting either gives the same sequence. VCF-style (leftmost placement, unchanged base first): chr17-10547830-GC-G. GRCh37 (hg19) VCF-style: chr17-10451147-GC-G.
Other names: c.90del, p.Arg30fs (NM_001100112.2); short protein forms R30fs.
Identifiers: ClinVar variation 4752609 (VCV004752609.1).